The following is an entry in ClinVar:

NM_000441.2(SLC26A4):c.1617T>G (p.Ile539Met)

Gene: SLC26A4 (solute carrier family 26 member 4; plus strand). Cytogenetic location: 7q22.3.
Variant type: single nucleotide variant.
Coding change: c.1617T>G on transcript NM_000441.2 (MANE Select); coding-DNA position 1617, T replaced by G.
Protein change: p.Ile539Met; replaces isoleucine 539 with methionine.
Molecular consequence: missense variant.
Genome position (GRCh38, 1-based): chr7:107,700,085, T>G. VCF-style: chr7-107700085-T-G. GRCh37 (hg19) VCF-style: chr7-107340530-T-G.
Other names: short protein forms I539M.
Identifiers: ClinVar variation 1305664 (VCV001305664.5), dbSNP rs1276433236, ClinGen allele CA368842016.

ClinVar aggregate classification (germline): Uncertain significance. Review status: criteria provided, multiple submitters, no conflicts (2 of 4 stars). 3 submissions from 3 submitters: Uncertain significance (3). Last evaluated 2025-04-21.

Conditions:
Inborn genetic diseases. Identifiers: MedGen C0950123, MeSH D030342.

Submissions (3):

Ambry Genetics
Classification: Uncertain significance for Inborn genetic diseases. Last evaluated: 2025-04-21. Review status: criteria provided, single submitter. Criteria: Ambry Variant Classification Scheme 2023. Collection method: clinical testing. Allele origin: germline.

GeneDx
Classification: Uncertain significance. Last evaluated: 2024-03-05. Review status: criteria provided, single submitter. Criteria: GeneDx Variant Classification Process June 2021. Collection method: clinical testing. Allele origin: germline. Affected: yes.
Comment: Not observed in large population cohorts (gnomAD); In silico analysis supports that this missense variant does not alter protein structure/function; Has not been previously published as pathogenic or benign to our knowledge

Labcorp Genetics (formerly Invitae), Labcorp
Classification: Uncertain significance. Last evaluated: 2022-08-05. Review status: criteria provided, single submitter. Criteria: Invitae Variant Classification Sherloc (09022015). Collection method: clinical testing. Allele origin: germline.
Comment: This sequence change replaces isoleucine, which is neutral and non-polar, with methionine, which is neutral and non-polar, at codon 539 of the SLC26A4 protein (p.Ile539Met). This variant is not present in population databases (gnomAD no frequency). This variant has not been reported in the literature in individuals affected with SLC26A4-related conditions. ClinVar contains an entry for this variant (Variation ID: 1305664). Algorithms developed to predict the effect of missense changes on protein structure and function are either unavailable or do not agree on the potential impact of this missense change (SIFT: "Deleterious"; PolyPhen-2: "Benign"; Align-GVGD: "Class C0"). In summary, the available evidence is currently insufficient to determine the role of this variant in disease. Therefore, it has been classified as a Variant of Uncertain Significance.